The following is an entry in ClinVar:

ClinVar aggregate classification (germline): Uncertain significance. Review status: criteria provided, multiple submitters, no conflicts (2 of 4 stars). 3 submissions from 3 submitters: Uncertain significance (3). Last evaluated 2026-02-19.

Conditions:
Hereditary cancer-predisposing syndrome. Also called: Hereditary neoplastic syndrome; Hereditary Cancer Syndrome; Neoplastic Syndromes, Hereditary; Tumor predisposition. Identifiers: Orphanet 140162, MedGen C0027672, MeSH D009386, MONDO:0015356.
Familial adenomatous polyposis 2. Also called: MYH-associated polyposis; COLORECTAL ADENOMATOUS POLYPOSIS, AUTOSOMAL RECESSIVE; ADENOMAS, MULTIPLE COLORECTAL, AUTOSOMAL RECESSIVE; MUTYH-related attenuated familial adenomatous polyposis; Adenomas, multiple colorectal; FAP type 2. Identifiers: Orphanet 220460, Orphanet 247798, MedGen C3272841, MONDO:0012041, OMIM 608456.

Submissions (3):

Ambry Genetics
Classification: Uncertain significance for Hereditary cancer-predisposing syndrome. Last evaluated: 2026-02-19. Review status: criteria provided, single submitter. Criteria: Ambry Variant Classification Scheme 2023. Collection method: clinical testing. Allele origin: germline.
Comment: The c.1518+3A>T intronic variant results from an A to T substitution 3 nucleotides after coding exon 15 in the MUTYH gene. This nucleotide position is poorly conserved in available vertebrate species. In silico splice site analysis predicts that this alteration will weaken the native splice donor site. Based on the available evidence, the clinical significance of this variant remains unclear.

Labcorp Genetics (formerly Invitae), Labcorp
Classification: Uncertain significance for Familial adenomatous polyposis 2. Last evaluated: 2021-12-29. Review status: criteria provided, single submitter. Criteria: Invitae Variant Classification Sherloc (09022015). Collection method: clinical testing. Allele origin: germline.
Comment: In summary, the available evidence is currently insufficient to determine the role of this variant in disease. Therefore, it has been classified as a Variant of Uncertain Significance. Variants that disrupt the consensus splice site are a relatively common cause of aberrant splicing (PMID: 17576681, 9536098). Studies have shown that this variant results in skipping of exon 15, but is expected to preserve the integrity of the reading-frame (Invitae). ClinVar contains an entry for this variant (Variation ID: 479989). This variant has not been reported in the literature in individuals affected with MUTYH-related conditions. This variant is not present in population databases (gnomAD no frequency). This sequence change falls in intron 15 of the MUTYH gene. It does not directly change the encoded amino acid sequence of the MUTYH protein. RNA analysis indicates that this variant induces altered splicing and likely results in a shortened protein product.

Mendelics
Classification: Uncertain significance for MYH-associated polyposis. Last evaluated: 2018-07-02. Review status: criteria provided, single submitter. Criteria: Mendelics Assertion Criteria 2017. Collection method: clinical testing. Allele origin: unknown.

Literature cited by the submitters: PubMed 17576681 (cited by Labcorp Genetics (formerly Invitae), Labcorp); PubMed 9536098 (cited by Labcorp Genetics (formerly Invitae), Labcorp).

NM_001048174.2(MUTYH):c.1434+3A>T

Gene: MUTYH (mutY DNA glycosylase; minus strand). Cytogenetic location: 1p34.1.
Variant type: single nucleotide variant.
Coding change: c.1434+3A>T on transcript NM_001048174.2 (MANE Select); 3 bases into the intron after coding-DNA position 1434, A replaced by T.
Molecular consequence: intron variant.
Genome position (GRCh38, 1-based): chr1:45,330,513, T>A on the plus strand (A>T on the coding strand, the complement: MUTYH is on the minus strand). VCF-style: chr1-45330513-T-A. GRCh37 (hg19) VCF-style: chr1-45796185-T-A.
Other names: c.1089+3A>T (NM_001350651.2, NM_001350650.2); c.1158+3A>T (NM_001293192.2, NM_001293196.2); c.1434+3A>T (NM_001048171.2, NM_001048173.2, NM_001293195.2); c.1479+3A>T (NM_001293190.2); c.1509+3A>T (NM_012222.3); c.1518+3A>T (NM_001128425.2); c.1437+3A>T (NM_001048172.2); c.1467+3A>T (NM_001293191.2).
Identifiers: ClinVar variation 479989 (VCV000479989.12), dbSNP rs1553123967, ClinGen allele CA658656913.